The following is an entry in ClinVar:

NM_006204.4(PDE6C):c.767A>T (p.Asp256Val)

Gene: PDE6C (phosphodiesterase 6C; plus strand). Cytogenetic location: 10q23.33.
Variant type: single nucleotide variant.
Coding change: c.767A>T on transcript NM_006204.4 (MANE Select); coding-DNA position 767, A replaced by T.
Protein change: p.Asp256Val; replaces aspartic acid 256 with valine.
Molecular consequence: missense variant.
Genome position (GRCh38, 1-based): chr10:93,621,975, A>T. VCF-style: chr10-93621975-A-T. GRCh37 (hg19) VCF-style: chr10-95381732-A-T.
Other names: short protein forms D256V.
Identifiers: ClinVar variation 851112 (VCV000851112.8), dbSNP rs762557292, ClinGen allele CA5609937.

ClinVar aggregate classification (germline): Uncertain significance. Review status: criteria provided, multiple submitters, no conflicts (2 of 4 stars). 3 submissions from 3 submitters: Uncertain significance (3). Last evaluated 2024-10-08.

Conditions:
Cone dystrophy 4 (COD4). Identifiers: Orphanet 49382, MedGen C2751308, MONDO:0013129, OMIM 613093.

Allele frequency attached by ClinVar (database versions not stated): gnomAD exomes 0.00001 and 0.00002; ExAC 0.00002; gnomAD 0.00002; TOPMed 0.00003.
gnomAD v4.1: 38 of 1,613,324 alleles (0.0024%); highest among the groups gnomAD compares: Non-Finnish European, 0.0031%; no homozygotes.

Submissions (3):

Blueprint Genetics
Classification: Uncertain significance. Last evaluated: 2024-10-08. Review status: criteria provided, single submitter. Criteria: ACMG Guidelines, 2015. Collection method: clinical testing. Allele origin: germline.

Department of Pathology and Laboratory Medicine, Sinai Health System
Classification: Uncertain significance for Cone dystrophy 4. Last evaluated: 2022-03-15. Review status: criteria provided, single submitter. Criteria: ACMG Guidelines, 2015. Collection method: research. Allele origin: germline.

Labcorp Genetics (formerly Invitae), Labcorp
Classification: Uncertain significance. Last evaluated: 2021-08-31. Review status: criteria provided, single submitter. Criteria: Invitae Variant Classification Sherloc (09022015). Collection method: clinical testing. Allele origin: germline.
Comment: This sequence change replaces aspartic acid with valine at codon 256 of the PDE6C protein (p.Asp256Val). The aspartic acid residue is highly conserved and there is a large physicochemical difference between aspartic acid and valine. This variant is present in population databases (rs762557292, ExAC 0.003%). This variant has not been reported in the literature in individuals affected with PDE6C-related conditions. Algorithms developed to predict the effect of missense changes on protein structure and function are either unavailable or do not agree on the potential impact of this missense change (SIFT: "Deleterious"; PolyPhen-2: "Probably Damaging"; Align-GVGD: "Class C15"). In summary, the available evidence is currently insufficient to determine the role of this variant in disease. Therefore, it has been classified as a Variant of Uncertain Significance.